The following is an entry in ClinVar:

ClinVar aggregate classification (germline): Pathogenic. Review status: criteria provided, multiple submitters, no conflicts (2 of 4 stars). 3 submissions from 3 submitters: Pathogenic (3). Last evaluated 2025-07-30.

Conditions:
Hereditary cancer-predisposing syndrome. Also called: Neoplastic Syndromes, Hereditary; Hereditary Cancer Syndrome; Hereditary neoplastic syndrome; Tumor predisposition. Identifiers: Orphanet 140162, MedGen C0027672, MeSH D009386, MONDO:0015356.
Familial cancer of breast. Also called: hereditary breast carcinoma; BREAST CANCER, FAMILIAL; Hereditary breast cancer. Identifiers: Orphanet 227535, MedGen C0346153, MONDO:0016419, OMIM 114480. Disease mechanism: loss of function.
Fanconi anemia complementation group J. Also called: BRIP1-Related Fanconi Anemia. Identifiers: Orphanet 84, MedGen C1836860, MONDO:0012187, OMIM 609054.

Allele frequency attached by ClinVar (database versions not stated): gnomAD exomes below 0.00001.

Submissions (3):

Myriad Genetics, Inc.
Classification: Pathogenic for Familial cancer of breast. Last evaluated: 2025-07-30. Review status: criteria provided, single submitter. Criteria: Myriad Autosomal Dominant, Autosomal Recessive and X-Linked Classification Criteria (2023). Collection method: clinical testing. Allele origin: unknown.
Comment: This variant is considered pathogenic. This variant creates a frameshift predicted to result in premature protein truncation.

Labcorp Genetics (formerly Invitae), Labcorp
Classification: Pathogenic for Familial cancer of breast; Fanconi anemia complementation group J. Last evaluated: 2018-11-30. Review status: criteria provided, single submitter. Criteria: Invitae Variant Classification Sherloc (09022015). Collection method: clinical testing. Allele origin: germline.
Comment: This variant has not been reported in the literature in individuals with BRIP1-related conditions. For these reasons, this variant has been classified as Pathogenic. Loss-of-function variants in BRIP1 are known to be pathogenic (PMID: 16116423, 17033622, 21964575). This variant is not present in population databases (ExAC no frequency). This sequence change creates a premature translational stop signal (p.Tyr353Ilefs*12) in the BRIP1 gene. It is expected to result in an absent or disrupted protein product.

Ambry Genetics
Classification: Pathogenic for Hereditary cancer-predisposing syndrome. Last evaluated: 2018-07-12. Review status: criteria provided, single submitter. Criteria: Ambry Variant Classification Scheme 2023. Collection method: clinical testing. Allele origin: germline.
Comment: The c.1052_1055dupCATA pathogenic mutation, located in coding exon 7 of the BRIP1 gene, results from a duplication of CATA at nucleotide position 1052, causing a translational frameshift with a predicted alternate stop codon (p.Y353Ifs*12). This alteration is expected to result in loss of function by premature protein truncation or nonsense-mediated mRNA decay. As such, this alteration is interpreted as a disease-causing mutation.

Literature cited by the submitters: PubMed 16116423 (cited by Labcorp Genetics (formerly Invitae), Labcorp); PubMed 17033622 (cited by Labcorp Genetics (formerly Invitae), Labcorp); PubMed 21964575 (cited by Labcorp Genetics (formerly Invitae), Labcorp).

NM_032043.3(BRIP1):c.1052_1055dup (p.Tyr353fs)

Gene: BRIP1 (BRCA1 interacting DNA helicase 1; minus strand). Cytogenetic location: 17q23.2.
Variant type: Duplication.
Coding change: c.1052_1055dup on transcript NM_032043.3 (MANE Select); coding-DNA positions 1052 to 1055, 4 bases duplicated (CATA; older notation c.1052_1055dupCATA).
Protein change: p.Tyr353fs; shifts the reading frame from tyrosine 353.
Molecular consequence: frameshift variant.
Genome position (GRCh38, 1-based): chr17:61,801,338-61,801,341, TATG duplicated on the plus strand (CATA on the coding strand, the reverse complement: BRIP1 is on the minus strand). VCF-style (leftmost placement, unchanged base first): chr17-61801337-A-ATATG. GRCh37 (hg19) VCF-style: chr17-59878698-A-ATATG.
Other names: c.1052_1055dupCATA (NM_032043.2); short protein forms Y353fs.
Identifiers: ClinVar variation 642655 (VCV000642655.13), dbSNP rs1603343235, ClinGen allele CA915950716.